The following is an entry in ClinVar:

ClinVar aggregate classification (germline): Uncertain significance (1 of 4 stars; one submission).

Conditions:
Inborn genetic diseases. Identifiers: MedGen C0950123, MeSH D030342.

gnomAD v4.1: 4 of 1,614,130 alleles (0.00025%); highest among the groups gnomAD compares: East Asian, 0.0022%; no homozygotes.

Submission:

Ambry Genetics
Classification: Uncertain significance for Inborn genetic diseases. Last evaluated: 2025-08-02. Review status: criteria provided, single submitter. Criteria: Ambry Variant Classification Scheme 2023. Collection method: clinical testing. Allele origin: germline.
Comment: The p.E134D variant (also known as c.402G>C), located in coding exon 5 of the BUB1B gene, results from a G to C substitution at nucleotide position 402. The glutamic acid at codon 134 is replaced by aspartic acid, an amino acid with highly similar properties. This amino acid position is conserved. In addition, this alteration is predicted to be tolerated by in silico analysis. Based on the available evidence, the clinical significance of this variant remains unclear.

NM_001211.6(BUB1B):c.402G>C (p.Glu134Asp)

Gene: BUB1B (BUB1 mitotic checkpoint serine/threonine kinase B; plus strand). Cytogenetic location: 15q15.1.
Variant type: single nucleotide variant.
Coding change: c.402G>C on transcript NM_001211.6 (MANE Select); coding-DNA position 402, G replaced by C.
Protein change: p.Glu134Asp; replaces glutamic acid 134 with aspartic acid.
Molecular consequence: missense variant.
Genome position (GRCh38, 1-based): chr15:40,176,494, G>C. VCF-style: chr15-40176494-G-C. GRCh37 (hg19) VCF-style: chr15-40468695-G-C.
Other names: short protein forms E134D.
Identifiers: ClinVar variation 4216959 (VCV004216959.1).